The following is an entry in ClinVar:

NM_001378120.1(MBD5):c.5153C>T (p.Pro1718Leu)

Gene: MBD5 (methyl-CpG binding domain protein 5; plus strand). Cytogenetic location: 2q23.1.
Variant type: single nucleotide variant.
Coding change: c.5153C>T on transcript NM_001378120.1 (MANE Select); coding-DNA position 5153, C replaced by T.
Protein change: p.Pro1718Leu; replaces proline 1718 with leucine.
Molecular consequence: missense variant.
Genome position (GRCh38, 1-based): chr2:148,512,910, C>T. VCF-style: chr2-148512910-C-T. GRCh37 (hg19) VCF-style: chr2-149270479-C-T.
Other names: c.4454C>T, p.Pro1485Leu (NM_018328.5); short protein forms P1485L, P1718L.
Identifiers: ClinVar variation 1030651 (VCV001030651.3), dbSNP rs1682261070, ClinGen allele CA348859419.

ClinVar aggregate classification (germline): Uncertain significance. Review status: criteria provided, multiple submitters, no conflicts (2 of 4 stars). 2 submissions from 2 submitters: Uncertain significance (2). Last evaluated 2024-03-05.

Conditions:
Intellectual developmental disorder, autosomal dominant 1. Also called: Intellectual disability, autosomal dominant 1; MBD5 Haploinsufficiency. Identifiers: Orphanet 228402, MedGen C1969562, MONDO:0007974, OMIM 156200.

Submissions (2):

Labcorp Genetics (formerly Invitae), Labcorp
Classification: Uncertain significance for Intellectual developmental disorder, autosomal dominant 1. Last evaluated: 2024-03-05. Review status: criteria provided, single submitter. Criteria: Invitae Variant Classification Sherloc (09022015). Collection method: clinical testing. Allele origin: germline.
Comment: This sequence change replaces proline, which is neutral and non-polar, with leucine, which is neutral and non-polar, at codon 1485 of the MBD5 protein (p.Pro1485Leu). This variant is not present in population databases (gnomAD no frequency). This variant has not been reported in the literature in individuals affected with MBD5-related conditions. ClinVar contains an entry for this variant (Variation ID: 1030651). Experimental studies and prediction algorithms are not available or were not evaluated, and the functional significance of this variant is currently unknown. In summary, the available evidence is currently insufficient to determine the role of this variant in disease. Therefore, it has been classified as a Variant of Uncertain Significance.

Baylor Genetics
Classification: Uncertain significance for Intellectual developmental disorder, autosomal dominant 1. Last evaluated: 2019-09-12. Review status: criteria provided, single submitter. Criteria: ACMG Guidelines, 2015. Collection method: clinical testing. Allele origin: unknown. Affected: yes.
Comment: This variant was determined to be of uncertain significance according to ACMG Guidelines, 2015 [PMID:25741868].